The following is an entry in ClinVar:

ClinVar aggregate classification (germline): Likely benign (1 of 4 stars; one submission).

Conditions:
Oroticaciduria. Also called: Orotic aciduria. Identifiers: Orphanet 30, MedGen C0268128, HP:0003218.

Allele frequency attached by ClinVar (database versions not stated): 1000 Genomes Project 30x 0.00047; TOPMed 0.00006; gnomAD 0.00009; gnomAD exomes 0.00011 and 0.00005; 1000 Genomes Project 0.00060.
gnomAD v4.1: 62 of 455,890 alleles (0.014%); highest among the groups gnomAD compares: East Asian, 0.33%; no homozygotes.

Submission:

Illumina Laboratory Services, Illumina
Classification: Likely benign for Hereditary orotic aciduria. Last evaluated: 2018-01-13. Review status: criteria provided, single submitter. Criteria: ICSL Variant Classification Criteria 13 December 2019. Collection method: clinical testing. Allele origin: germline.
Comment: This variant was observed in the ICSL laboratory as part of a predisposition screen in an ostensibly healthy population. It had not been previously curated by ICSL or reported in the Human Gene Mutation Database (HGMD: prior to June 1st, 2018), and was therefore a candidate for classification through an automated scoring system. Utilizing variant allele frequency, disease prevalence and penetrance estimates, and inheritance mode, an automated score was calculated to assess if this variant is too frequent to cause the disease. Based on the score and internal cut-off values, a variant classified as likely benign is not then subjected to further curation. The score for this variant resulted in a classification of likely benign for this disease.

NM_000373.4(UMPS):c.*348C>T

Gene: UMPS (uridine monophosphate synthetase; plus strand). Cytogenetic location: 3q21.2.
Variant type: single nucleotide variant.
Coding change: c.*348C>T on transcript NM_000373.4 (MANE Select); 348 bases downstream of the stop codon, C replaced by T.
Molecular consequence: 3 prime UTR variant. On other transcripts: non-coding transcript variant (2).
Genome position (GRCh38, 1-based): chr3:124,744,432, C>T. VCF-style: chr3-124744432-C-T. GRCh37 (hg19) VCF-style: chr3-124463279-C-T.
Identifiers: ClinVar variation 901655 (VCV000901655.4), dbSNP rs186337218, ClinGen allele CA83061203.
Genomic context (GRCh38, chr3:124,744,432, plus strand): 5'-CTTCCTATCTCTCCATGGGACTAGACTGCTTTGTTATTCTATTTATTTTTTAATTTTTTT[C>T]GAGACAGGATCTCACTCTGTTGCCCAGGATGGAGTGCAGTGGTGAGATCACGGCTCATTG-3'